The following is an entry in ClinVar:

ClinVar aggregate classification (germline): Uncertain significance (1 of 4 stars; one submission).

Conditions:
Glycogen storage disease IXd (GSD9D). Also called: Muscle Phosphorylase Kinase Deficiency; GSD IXd. Identifiers: Orphanet 715, MedGen C1845151, MONDO:0010362, OMIM 300559.

Allele frequency attached by ClinVar (database versions not stated): gnomAD exomes below 0.00001; gnomAD 0.00002; TOPMed 0.00004.
gnomAD v4.1: 5 of 1,205,351 alleles (0.00041%); highest among the groups gnomAD compares: African/African-American, 0.0052%; no homozygotes.

Submission:

Labcorp Genetics (formerly Invitae), Labcorp
Classification: Uncertain significance for Glycogen storage disease IXd. Last evaluated: 2022-03-23. Review status: criteria provided, single submitter. Criteria: Invitae Variant Classification Sherloc (09022015). Collection method: clinical testing. Allele origin: germline.
Comment: Algorithms developed to predict the effect of missense changes on protein structure and function output the following: SIFT: "Tolerated"; PolyPhen-2: "Benign"; Align-GVGD: "Class C0". The valine amino acid residue is found in multiple mammalian species, which suggests that this missense change does not adversely affect protein function. This variant has not been reported in the literature in individuals affected with PHKA1-related conditions. This variant is present in population databases (no rsID available, gnomAD 0.004%). In summary, the available evidence is currently insufficient to determine the role of this variant in disease. Therefore, it has been classified as a Variant of Uncertain Significance. This sequence change replaces isoleucine, which is neutral and non-polar, with valine, which is neutral and non-polar, at codon 465 of the PHKA1 protein (p.Ile465Val).

NM_002637.4(PHKA1):c.1393A>G (p.Ile465Val)

Gene: PHKA1 (phosphorylase kinase regulatory subunit alpha 1; minus strand). Cytogenetic location: Xq13.1.
Variant type: single nucleotide variant.
Coding change: c.1393A>G on transcript NM_002637.4 (MANE Select); coding-DNA position 1393, A replaced by G.
Protein change: p.Ile465Val; replaces isoleucine 465 with valine.
Molecular consequence: missense variant.
Genome position (GRCh38, 1-based): chrX:72,644,428, T>C on the plus strand (A>G on the coding strand, the complement: PHKA1 is on the minus strand). VCF-style: chrX-72644428-T-C. GRCh37 (hg19) VCF-style: chrX-71864278-T-C.
Other names: c.1393A>G, p.Ile465Val (NM_001122670.2, NM_001172436.2); short protein forms I465V.
Identifiers: ClinVar variation 1914517 (VCV001914517.5), dbSNP rs868994720, ClinGen allele CA413592646.